The following is an entry in ClinVar:

ClinVar aggregate classification (germline): Uncertain significance (1 of 4 stars; one submission).

Conditions:
Hereditary breast ovarian cancer syndrome. Also called: Hereditary breast and ovarian cancer syndrome; Hereditary breast and ovarian cancer syndrome (HBOC); BRCA1- and BRCA2-Associated Hereditary Breast and Ovarian Cancer; Hereditary breast and ovarian cancer; Breast and ovarian cancer; Hereditary breast and/or ovarian cancer syndrome. Identifiers: Orphanet 145, MedGen C0677776, MeSH D061325, MONDO:0003582. Disease mechanism: loss of function.

Submission:

Labcorp Genetics (formerly Invitae), Labcorp
Classification: Uncertain significance for Hereditary breast ovarian cancer syndrome. Last evaluated: 2024-04-04. Review status: criteria provided, single submitter. Criteria: Invitae Variant Classification Sherloc (09022015). Collection method: clinical testing. Allele origin: germline.
Comment: This sequence change replaces serine, which is neutral and polar, with asparagine, which is neutral and polar, at codon 1741 of the BRCA2 protein (p.Ser1741Asn). This variant is not present in population databases (gnomAD no frequency). This variant has not been reported in the literature in individuals affected with BRCA2-related conditions. Advanced modeling of protein sequence and biophysical properties (such as structural, functional, and spatial information, amino acid conservation, physicochemical variation, residue mobility, and thermodynamic stability) performed at Invitae indicates that this missense variant is not expected to disrupt BRCA2 protein function with a negative predictive value of 95%. In summary, the available evidence is currently insufficient to determine the role of this variant in disease. Therefore, it has been classified as a Variant of Uncertain Significance.

NM_000059.4(BRCA2):c.5222G>A (p.Ser1741Asn)

Gene: BRCA2 (BRCA2 DNA repair associated; plus strand). Cytogenetic location: 13q13.1.
Variant type: single nucleotide variant.
Coding change: c.5222G>A on transcript NM_000059.4 (MANE Select); coding-DNA position 5222, G replaced by A.
Protein change: p.Ser1741Asn; replaces serine 1741 with asparagine.
Molecular consequence: missense variant. On other transcripts: non-coding transcript variant (1), intron variant (2).
Genome position (GRCh38, 1-based): chr13:32,339,577, G>A. VCF-style: chr13-32339577-G-A. GRCh37 (hg19) VCF-style: chr13-32913714-G-A.
Other names: c.5222G>A, p.Ser1741Asn (NM_001406719.1, NM_001406720.1, NM_001432077.1); c.1910-4981G>A (NM_001406721.1); c.425-4981G>A (NM_001406722.1); short protein forms S1741N.
Identifiers: ClinVar variation 3636490 (VCV003636490.2).